The following is an entry in ClinVar:

NM_007294.4(BRCA1):c.517C>A (p.Pro173Thr)

Gene: BRCA1 (BRCA1 DNA repair associated; minus strand). Cytogenetic location: 17q21.31.
Variant type: single nucleotide variant.
Coding change: c.517C>A on transcript NM_007294.4 (MANE Select); coding-DNA position 517, C replaced by A.
Protein change: p.Pro173Thr; replaces proline 173 with threonine.
Molecular consequence: missense variant. On other transcripts: non-coding transcript variant (1).
Genome position (GRCh38, 1-based): chr17:43,099,805, G>T on the plus strand (C>A on the coding strand, the complement: BRCA1 is on the minus strand). VCF-style: chr17-43099805-G-T. GRCh37 (hg19) VCF-style: chr17-41251822-G-T.
Other names: c.517C>A, p.Pro173Thr (NM_001407939.1, NM_001407975.1, NM_001407976.1 and 97 more transcripts); c.514C>A, p.Pro172Thr (NM_001407940.1, NM_001407941.1, NM_001407972.1 and 65 more transcripts); c.376C>A, p.Pro126Thr (NM_001407942.1, NM_001407944.1, NM_001407945.1 and 61 more transcripts); c.373C>A, p.Pro125Thr (NM_001407943.1, NM_001407964.1, NM_001407740.1 and 35 more transcripts); c.307C>A, p.Pro103Thr (NM_001407946.1, NM_001407947.1, NM_001407948.1 and 37 more transcripts); c.304C>A, p.Pro102Thr (NM_001407954.1, NM_001407955.1, NM_001407956.1 and 18 more transcripts); c.136C>A, p.Pro46Thr (NM_001407959.1, NM_001407960.1, NM_001407963.1 and 3 more transcripts); c.133C>A, p.Pro45Thr (NM_001407962.1); and 4 more; short protein forms P173T, P126T, P146T, P147T, P170T, P125T, P45T, P46T.
Identifiers: ClinVar variation 1419169 (VCV001419169.9), dbSNP rs2154528497, ClinGen allele CA10601110.

ClinVar aggregate classification (germline): Uncertain significance. Review status: criteria provided, multiple submitters, no conflicts (2 of 4 stars). 2 submissions from 2 submitters: Uncertain significance (2). Last evaluated 2025-09-04.

Conditions:
Hereditary cancer-predisposing syndrome. Also called: Neoplastic Syndromes, Hereditary; Hereditary Cancer Syndrome; Hereditary neoplastic syndrome; Tumor predisposition. Identifiers: Orphanet 140162, MedGen C0027672, MeSH D009386, MONDO:0015356.
Hereditary breast ovarian cancer syndrome. Also called: Hereditary breast and/or ovarian cancer syndrome; BRCA1- and BRCA2-Associated Hereditary Breast and Ovarian Cancer; Hereditary breast and ovarian cancer syndrome; Hereditary breast and ovarian cancer; Hereditary breast and ovarian cancer syndrome (HBOC); Breast and ovarian cancer. Identifiers: Orphanet 145, MedGen C0677776, MeSH D061325, MONDO:0003582. Disease mechanism: loss of function.

Submissions (2):

Color Diagnostics, LLC DBA Color Health
Classification: Uncertain significance for Hereditary cancer-predisposing syndrome. Last evaluated: 2025-09-04. Review status: criteria provided, single submitter. Criteria: ACMG Guidelines, 2015. Collection method: clinical testing. Allele origin: germline.
Comment: This missense variant replaces proline with threonine at codon 173 of the BRCA1 protein. Computational prediction is inconclusive regarding the impact of this variant on protein structure and function. To our knowledge, functional studies have not been reported for this variant. This variant has not been reported in individuals affected with BRCA1-related disorders in the literature. This variant has not been identified in the general population by the Genome Aggregation Database (gnomAD). The available evidence is insufficient to determine the role of this variant in disease conclusively. Therefore, this variant is classified as a Variant of Uncertain Significance.

Labcorp Genetics (formerly Invitae), Labcorp
Classification: Uncertain significance for Hereditary breast ovarian cancer syndrome. Last evaluated: 2021-04-04. Review status: criteria provided, single submitter. Criteria: Invitae Variant Classification Sherloc (09022015). Collection method: clinical testing. Allele origin: germline.
Comment: In summary, the available evidence is currently insufficient to determine the role of this variant in disease. Therefore, it has been classified as a Variant of Uncertain Significance. Advanced modeling of protein sequence and biophysical properties (such as structural, functional, and spatial information, amino acid conservation, physicochemical variation, residue mobility, and thermodynamic stability) performed at Invitae indicates that this missense variant is not expected to disrupt BRCA1 protein function. This variant has not been reported in the literature in individuals with BRCA1-related conditions. This variant is not present in population databases (ExAC no frequency). This sequence change replaces proline with threonine at codon 173 of the BRCA1 protein (p.Pro173Thr). The proline residue is moderately conserved and there is a small physicochemical difference between proline and threonine.